The following is an entry in ClinVar:

ClinVar aggregate classification (germline): Uncertain significance (1 of 4 stars; one submission).

Submission:

GeneDx
Classification: Uncertain significance. Last evaluated: 2024-11-04. Review status: criteria provided, single submitter. Criteria: GeneDx Variant Classification Process June 2021. Collection method: clinical testing. Allele origin: germline. Affected: yes.
Comment: Not observed at significant frequency in large population cohorts (gnomAD); In silico analysis supports that this missense variant has a deleterious effect on protein structure/function; Has not been previously published as pathogenic or benign to our knowledge

NM_001002295.2(GATA3):c.797A>G (p.Asn266Ser)

Gene: GATA3 (GATA binding protein 3; plus strand). Cytogenetic location: 10p14.
Variant type: single nucleotide variant.
Coding change: c.797A>G on transcript NM_001002295.2 (MANE Select); coding-DNA position 797, A replaced by G.
Protein change: p.Asn266Ser; replaces asparagine 266 with serine.
Molecular consequence: missense variant.
Genome position (GRCh38, 1-based): chr10:8,064,011, A>G. VCF-style: chr10-8064011-A-G. GRCh37 (hg19) VCF-style: chr10-8105974-A-G.
Other names: c.794A>G, p.Asn265Ser (NM_002051.3); short protein forms N265S, N266S.
Identifiers: ClinVar variation 3897073 (VCV003897073.1).